The following is an entry in ClinVar:

NM_001385012.1(NBEA):c.2975C>G (p.Thr992Arg)

Gene: NBEA (neurobeachin; plus strand). Cytogenetic location: 13q13.3.
Variant type: single nucleotide variant.
Coding change: c.2975C>G on transcript NM_001385012.1 (MANE Select); coding-DNA position 2975, C replaced by G.
Protein change: p.Thr992Arg; replaces threonine 992 with arginine.
Molecular consequence: missense variant.
Genome position (GRCh38, 1-based): chr13:35,159,146, C>G. VCF-style: chr13-35159146-C-G. GRCh37 (hg19) VCF-style: chr13-35733283-C-G.
Other names: c.2975C>G, p.Thr992Arg (NM_001379245.1, NM_015678.5); short protein forms T992R.
Identifiers: ClinVar variation 2298127 (VCV002298127.4), dbSNP rs2069381767, ClinGen allele CA387836457.

ClinVar aggregate classification (germline): Uncertain significance. Review status: criteria provided, multiple submitters, no conflicts (2 of 4 stars). 2 submissions from 2 submitters: Uncertain significance (2). Last evaluated 2025-10-29.

Conditions:
Inborn genetic diseases. Identifiers: MedGen C0950123, MeSH D030342.

Allele frequency attached by ClinVar (database versions not stated): TOPMed below 0.00001.

Submissions (2):

GeneDx
Classification: Uncertain significance. Last evaluated: 2025-10-29. Review status: criteria provided, single submitter. Criteria: GeneDx Variant Classification Process June 2021. Collection method: clinical testing. Allele origin: germline. Affected: yes.
Comment: Not observed at significant frequency in large population cohorts (gnomAD); In silico analysis suggests that this missense variant does not alter protein structure/function; Has not been previously published as pathogenic or benign to our knowledge

Ambry Genetics
Classification: Uncertain significance for Inborn genetic diseases. Last evaluated: 2022-06-28. Review status: criteria provided, single submitter. Criteria: Ambry Variant Classification Scheme 2023. Collection method: clinical testing. Allele origin: germline.